The following is an entry in ClinVar:

NM_032273.4(TMEM126A):c.161T>A (p.Phe54Tyr)

Gene: TMEM126A (transmembrane protein 126A; plus strand). Cytogenetic location: 11q14.1.
Variant type: single nucleotide variant.
Coding change: c.161T>A on transcript NM_032273.4 (MANE Select); coding-DNA position 161, T replaced by A.
Protein change: p.Phe54Tyr; replaces phenylalanine 54 with tyrosine.
Molecular consequence: missense variant. On other transcripts: 5 prime UTR variant (1).
Genome position (GRCh38, 1-based): chr11:85,654,137, T>A. VCF-style: chr11-85654137-T-A. GRCh37 (hg19) VCF-style: chr11-85365181-T-A.
Other names: c.-50T>A (NM_001244735.2); short protein forms F54Y.
Identifiers: ClinVar variation 1383553 (VCV001383553.6), dbSNP rs2153313278, ClinGen allele CA381995980.

ClinVar aggregate classification (germline): Uncertain significance (1 of 4 stars; one submission).

Submission:

Labcorp Genetics (formerly Invitae), Labcorp
Classification: Uncertain significance. Last evaluated: 2022-02-17. Review status: criteria provided, single submitter. Criteria: Invitae Variant Classification Sherloc (09022015). Collection method: clinical testing. Allele origin: germline.
Comment: In summary, the available evidence is currently insufficient to determine the role of this variant in disease. Therefore, it has been classified as a Variant of Uncertain Significance. Algorithms developed to predict the effect of missense changes on protein structure and function (SIFT, PolyPhen-2, Align-GVGD) all suggest that this variant is likely to be tolerated. This variant has not been reported in the literature in individuals affected with TMEM126A-related conditions. This variant is not present in population databases (gnomAD no frequency). This sequence change replaces phenylalanine, which is neutral and non-polar, with tyrosine, which is neutral and polar, at codon 54 of the TMEM126A protein (p.Phe54Tyr).